The following is an entry in ClinVar:

ClinVar aggregate classification (germline): Conflicting classifications of pathogenicity. Review status: criteria provided, conflicting classifications (1 of 4 stars). 3 submissions from 3 submitters: Uncertain significance (2); Likely benign (1). Last evaluated 2025-10-07.

Conditions:
Episodic ataxia type 2 (EA2). Also called: ACETAZOLAMIDE-RESPONSIVE HEREDITARY PAROXYSMAL CEREBELLAR ATAXIA; EPISODIC ATAXIA, NYSTAGMUS-ASSOCIATED; ATAXIA, EPISODIC, WITH NYSTAGMUS; ATAXIA, FAMILIAL PAROXYSMAL; CEREBELLAR ATAXIA, PAROXYSMAL, ACETAZOLAMIDE-RESPONSIVE; CEREBELLOPATHY, HEREDITARY PAROXYSMAL. Identifiers: Orphanet 97, MedGen C1720416, MONDO:0007163, OMIM 108500.
Developmental and epileptic encephalopathy, 42 (DEE42A). Also called: DEVELOPMENTAL AND EPILEPTIC ENCEPHALOPATHY 42A; EPILEPTIC ENCEPHALOPATHY, EARLY INFANTILE, 42A; Epileptic encephalopathy, early infantile, 42. Identifiers: MedGen C4310716, MONDO:0014917, OMIM 617106.
Inborn genetic diseases. Identifiers: MedGen C0950123, MeSH D030342.

Allele frequency attached by ClinVar (database versions not stated): gnomAD 0.00002; TOPMed 0.00004.
gnomAD v4.1: 8 of 1,484,986 alleles (0.00054%); highest among the groups gnomAD compares: African/African-American, 0.0074%; no homozygotes.

Submissions (3):

Ambry Genetics
Classification: Uncertain significance for Inborn genetic diseases. Last evaluated: 2025-10-07. Review status: criteria provided, single submitter. Criteria: Ambry Variant Classification Scheme 2023. Collection method: clinical testing. Allele origin: germline.
Comment: The c.2966G>A (p.G989D) alteration is located in exon 19 (coding exon 19) of the CACNA1A gene. This alteration results from a G to A substitution at nucleotide position 2966, causing the glycine (G) at amino acid position 989 to be replaced by an aspartic acid (D). Based on data from gnomAD, the A allele has an overall frequency of 0.001% (1/121284) total alleles studied. The highest observed frequency was 0.01% (1/9824) of African alleles. Based on insufficient or conflicting evidence, the clinical significance of this alteration remains unclear.

Labcorp Genetics (formerly Invitae), Labcorp
Classification: Likely benign for Developmental and epileptic encephalopathy, 42; Episodic ataxia type 2. Last evaluated: 2022-08-15. Review status: criteria provided, single submitter. Criteria: Invitae Variant Classification Sherloc (09022015). Collection method: clinical testing. Allele origin: germline.

GeneDx
Classification: Uncertain significance. Last evaluated: 2020-10-21. Review status: criteria provided, single submitter. Criteria: GeneDx Variant Classification Process June 2021. Collection method: clinical testing. Allele origin: germline. Affected: yes.
Comment: Not observed at a significant frequency in large population cohorts (Lek et al., 2016); In silico analysis supports that this missense variant does not alter protein structure/function; Has not been previously published as pathogenic or benign to our knowledge

NM_001127222.2(CACNA1A):c.2963G>A (p.Gly988Asp)

Gene: CACNA1A (calcium voltage-gated channel subunit alpha1 A; minus strand). Cytogenetic location: 19p13.13.
Variant type: single nucleotide variant.
Coding change: c.2963G>A on transcript NM_001127222.2 (MANE Select); coding-DNA position 2963, G replaced by A.
Protein change: p.Gly988Asp; replaces glycine 988 with aspartic acid.
Molecular consequence: missense variant.
Genome position (GRCh38, 1-based): chr19:13,298,670, C>T on the plus strand (G>A on the coding strand, the complement: CACNA1A is on the minus strand). VCF-style: chr19-13298670-C-T. GRCh37 (hg19) VCF-style: chr19-13409484-C-T.
Other names: c.2975G>A, p.Gly992Asp (NM_000068.4, NM_023035.3); c.2966G>A, p.Gly989Asp (NM_001127221.2, NM_001174080.2); short protein forms G988D, G989D, G992D.
Identifiers: ClinVar variation 1190438 (VCV001190438.11), dbSNP rs1271411894, ClinGen allele CA404342360.